The following is an entry in ClinVar:

NM_001626.6(AKT2):c.49G>A (p.Glu17Lys)

Gene: AKT2 (AKT serine/threonine kinase 2; minus strand). Cytogenetic location: 19q13.2.
Variant type: single nucleotide variant.
Coding change: c.49G>A on transcript NM_001626.6 (MANE Select); coding-DNA position 49, G replaced by A.
Protein change: p.Glu17Lys; replaces glutamic acid 17 with lysine.
Molecular consequence: missense variant. On other transcripts: 5 prime UTR variant (2).
Genome position (GRCh38, 1-based): chr19:40,257,052, C>T on the plus strand (G>A on the coding strand, the complement: AKT2 is on the minus strand). VCF-style: chr19-40257052-C-T. GRCh37 (hg19) VCF-style: chr19-40762959-C-T.
Other names: c.49G>A, p.Glu17Lys (LRG_1391t1, NM_001330511.1); c.-138G>A (NM_001243027.3, NM_001243028.3); short protein forms E17K.
Identifiers: ClinVar variation 29804 (VCV000029804.5), dbSNP rs387906659, ClinGen allele CA128662.

ClinVar aggregate classification (germline): Pathogenic. Review status: criteria provided, single submitter (1 of 4 stars). 3 submissions from 3 submitters: Pathogenic (1). 2 of the submissions do not count toward it. Last evaluated 2024-06-26.

Conditions:
Type 2 diabetes mellitus. Also called: Type II diabetes mellitus. Identifiers: MedGen C0011860, MeSH D003924, MONDO:0005148, OMIM 125853, HP:0005978.
Hypoinsulinemic hypoglycemia and body hemihypertrophy. Also called: Hypoinsulinemic hypoglycemia and hemihypertrophy. Identifiers: Orphanet 293964, MedGen C3278384, MONDO:0009416, OMIM 240900.

Submissions (3):

Labcorp Genetics (formerly Invitae), Labcorp
Classification: Pathogenic for Hypoinsulinemic hypoglycemia and body hemihypertrophy; Type 2 diabetes mellitus. Last evaluated: 2024-06-26. Review status: criteria provided, single submitter. Criteria: Invitae Variant Classification Sherloc (09022015). Collection method: clinical testing. Allele origin: germline.
Comment: This sequence change replaces glutamic acid, which is acidic and polar, with lysine, which is basic and polar, at codon 17 of the AKT2 protein (p.Glu17Lys). This variant is not present in population databases (gnomAD no frequency). This missense change has been observed in individual(s) with hypoinsulinemic hypoglycemia with hemihypertrophy (PMID: 21979934). In at least one individual the variant was observed to be de novo. ClinVar contains an entry for this variant (Variation ID: 29804). An algorithm developed to predict the effect of missense changes on protein structure and function (PolyPhen-2) suggests that this variant is likely to be tolerated. Experimental studies have shown that this missense change affects AKT2 function (PMID: 21979934). For these reasons, this variant has been classified as Pathogenic.

Biochemical Molecular Genetic Laboratory, King Abdulaziz Medical City
Classification: Pathogenic for Hypoinsulinemic hypoglycemia and body hemihypertrophy. Last evaluated: 2020-06-07. Review status: no assertion criteria provided. Collection method: clinical testing. Allele origin: germline. Affected: yes. Not counted in ClinVar's aggregate classification.

OMIM
Classification: Pathogenic for HYPOINSULINEMIC HYPOGLYCEMIA AND HEMIHYPERTROPHY. Last evaluated: 2011-10-28. Review status: no assertion criteria provided. Collection method: literature only. Allele origin: germline. Not counted in ClinVar's aggregate classification.

Literature cited by the submitters: PubMed 21979934 (cited by Labcorp Genetics (formerly Invitae), Labcorp and OMIM).